The following is an entry in ClinVar:

ClinVar aggregate classification (germline): Likely benign (1 of 4 stars; one submission).

Allele frequency attached by ClinVar (database versions not stated): gnomAD 0.00671 and 0.00715; TOPMed 0.00783; 1000 Genomes Project 0.00799; 1000 Genomes Project 30x 0.00968.
gnomAD v4.1: 1,007 of 151,962 alleles (0.66%); highest among the groups gnomAD compares: African/African-American, 2.3%; 20 homozygotes.

Submission:

GeneDx
Classification: Likely benign. Last evaluated: 2018-06-16. Review status: criteria provided, single submitter. Criteria: GeneDx Variant Classification (06012015). Collection method: clinical testing. Allele origin: germline. Affected: yes.
Comment: This variant is considered likely benign or benign based on one or more of the following criteria: it is a conservative change, it occurs at a poorly conserved position in the protein, it is predicted to be benign by multiple in silico algorithms, and/or has population frequency not consistent with disease.

NM_001079802.2(FKTN):c.648-1404C>T

Gene: FKTN (fukutin; plus strand). Cytogenetic location: 9q31.2.
Variant type: single nucleotide variant.
Coding change: c.648-1404C>T on transcript NM_001079802.2 (MANE Select); 1404 bases into the intron before coding-DNA position 648, C replaced by T.
Molecular consequence: intron variant.
Genome position (GRCh38, 1-based): chr9:105,606,415, C>T. VCF-style: chr9-105606415-C-T. GRCh37 (hg19) VCF-style: chr9-108368696-C-T.
Other names: c.648-1404C>T (NM_006731.2, NM_001351496.2, NM_001198963.2 and 1 more transcripts); c.252-1404C>T (NM_001351502.2, NM_001351499.2, NM_001351500.2 and 1 more transcripts); c.579-1404C>T (NM_001351497.2).
Identifiers: ClinVar variation 677717 (VCV000677717.1), dbSNP rs75075378, ClinGen allele CA197439727.